The following is an entry in ClinVar:

ClinVar aggregate classification (germline): Conflicting classifications of pathogenicity. Review status: criteria provided, conflicting classifications (1 of 4 stars). 2 submissions from 2 submitters: Likely pathogenic (1); Uncertain significance (1). Last evaluated 2025-09-02.

Conditions:
Otofacial neurodevelopmental syndrome. Identifiers: MedGen C5935642, MONDO:0975705, OMIM 620910.

gnomAD v4.1: 105 of 1,578,300 alleles (0.0067%); highest among the groups gnomAD compares: Non-Finnish European, 0.0088%; no homozygotes.

Submissions (2):

Variantyx, Inc.
Classification: Likely pathogenic for Otofacial neurodevelopmental syndrome. Last evaluated: 2025-09-02. Review status: criteria provided, single submitter. Criteria: Variantyx Assertion Criteria 2022. Collection method: clinical testing. Allele origin: germline. Inheritance: Autosomal recessive inheritance. Affected: no.
Comment: This is a nonsense variant in the ZSCAN10 gene (OMIM: 618365). Pathogenic variants in this gene have been associated with autosomal recessive otofacial neurodevelopmental syndrome. This variant introduces a premature termination codon in exon 6 out of 6 and is expected to result in loss of function, which is a known disease mechanism for ZSCAN10 in this disorder (PVS1) (PMID:38386308). This variant has a 0.0088% maximum allele frequency in non-founder control populations (PM2). Based on the current evidence, this variant is classified as likely pathogenic for autosomal recessive otofacial neurodevelopmental syndrome.No other variant of clinical significance was identified in the ZSCAN10 gene. A single pathogenic variant in a gene associated with autosomal recessive disease is generally insufficient to cause disease. Therefore, this finding likely represents carrier status.

GeneDx
Classification: Uncertain significance. Last evaluated: 2024-01-31. Review status: criteria provided, single submitter. Criteria: GeneDx Variant Classification Process June 2021. Collection method: clinical testing. Allele origin: germline. Affected: yes.
Comment: Nonsense variant predicted to result in protein truncation as the last 497 amino acids are lost, although loss-of-function is not a known mechanism of disease; Has not been previously published as pathogenic or benign to our knowledge; Variants in candidate genes are classified as variants of uncertain significance in accordance with ACMG guidelines (PMID: 25741868); This variant is associated with the following publications: (PMID: 25741868)

Literature cited by the submitters: PubMed 38386308 (cited by Variantyx, Inc.).

NM_032805.3(ZSCAN10):c.851G>A (p.Trp284Ter)

Gene: ZSCAN10 (zinc finger and SCAN domain containing 10; minus strand). Cytogenetic location: 16p13.3.
Variant type: single nucleotide variant.
Coding change: c.851G>A on transcript NM_032805.3 (MANE Select); coding-DNA position 851, G replaced by A.
Protein change: p.Trp284Ter; replaces tryptophan 284 with a stop codon.
Molecular consequence: nonsense. On other transcripts: 5 prime UTR variant (2).
Genome position (GRCh38, 1-based): chr16:3,090,583, C>T on the plus strand (G>A on the coding strand, the complement: ZSCAN10 is on the minus strand). VCF-style: chr16-3090583-C-T. GRCh37 (hg19) VCF-style: chr16-3140584-C-T.
Other names: c.-332G>A (NM_001282415.2, NM_001365273.1); c.440G>A, p.Trp147Ter (NM_001282416.2); c.305G>A, p.Trp102Ter (NM_001365272.1); short protein forms W102*, W147*, W284*.
Identifiers: ClinVar variation 4532339 (VCV004532339.2).